The following is an entry in ClinVar:

ClinVar aggregate classification (germline): Uncertain significance (1 of 4 stars; one submission).

Submission:

Women's Health and Genetics/Laboratory Corporation of America, LabCorp
Classification: Uncertain significance. Last evaluated: 2023-10-31. Review status: criteria provided, single submitter. Criteria: LabCorp Variant Classification Summary - May 2015. Collection method: clinical testing. Allele origin: germline.
Comment: Variant summary: The variant identified by MLPA or other technology involves the duplication of exon 21 in the PCCA gene. A presumed nomenclature of c.(1845+1_1846-1)_(1899+1_1900-1)dup has been designated for the purposes of this classification. It has been assumed that this is a tandem duplication in direct orientation (Richardson_GIM_2018, Newman_AJHG_2015). Although exact breakpoints of this duplication are not known, it is expected to result in an inframe duplication change in the PCCA gene. The variant was absent in 21646 control chromosomes (gnomAD, structural variants dataset). Exon 21 duplication has been reported in the literature in an infant and an adult diagnosed with Propionic Acidemia (examples: Riemersma_2017 and Abdrabo_2020). These data indicate that the variant may be associated with disease. To our knowledge, no experimental evidence demonstrating an impact on protein function has been reported. The following publications have been ascertained in the context of this evaluation (PMID: 28853722, 31462756). No submitters have cited clinical-significance assessments for this variant to ClinVar after 2014. Based on the evidence outlined above, the variant was classified as VUS-possibly pathogenic.

Literature cited by the submitters: PubMed 28853722; PubMed 31462756.

NC_000013.10:g.(101077986_101101505)_(101101560_101167680)dup

Gene: PCCA (propionyl-CoA carboxylase subunit alpha; plus strand). Cytogenetic location: 13q32.3.
Variant type: Duplication.
Identifiers: ClinVar variation 2637579 (VCV002637579.1).